The following is an entry in ClinVar:

ClinVar aggregate classification (germline): Uncertain significance (1 of 4 stars; one submission).

Conditions:
SEC23B-related disorder. Also called: SEC23B-related condition; SEC23B-related disorders.

Submission:

PreventionGenetics, part of Exact Sciences
Classification: Uncertain significance for SEC23B-related condition. Last evaluated: 2024-10-18. Review status: criteria provided, single submitter. Criteria: ACMG Guidelines, 2015. Collection method: clinical testing. Allele origin: germline.
Comment: The SEC23B c.1817G>C variant is predicted to result in the amino acid substitution p.Arg606Thr. To our knowledge, this variant has not been reported in the literature or in a large population database (gnomAD), indicating this variant is rare. At this time, the clinical significance of this variant is uncertain due to the absence of conclusive functional and genetic evidence.

NM_006363.6(SEC23B):c.1817G>C (p.Arg606Thr)

Gene: SEC23B (SEC23 homolog B, COPII component; plus strand). Cytogenetic location: 20p11.23.
Variant type: single nucleotide variant.
Coding change: c.1817G>C on transcript NM_006363.6 (MANE Select); coding-DNA position 1817, G replaced by C.
Protein change: p.Arg606Thr; replaces arginine 606 with threonine.
Molecular consequence: missense variant.
Genome position (GRCh38, 1-based): chr20:18,548,682, G>C. VCF-style: chr20-18548682-G-C. GRCh37 (hg19) VCF-style: chr20-18529326-G-C.
Other names: c.1817G>C, p.Arg606Thr (NM_001172745.3, NM_032985.6, NM_032986.5); c.1763G>C, p.Arg588Thr (NM_001172746.3); short protein forms R606T, R588T.
Identifiers: ClinVar variation 4986010 (VCV004986010.1).